The following is an entry in ClinVar:

ClinVar aggregate classification (germline): Likely benign. Review status: criteria provided, single submitter (1 of 4 stars). 2 submissions from 2 submitters: Likely benign (1). 1 of the submissions does not count toward it. Last evaluated 2025-11-01.

Conditions:
SPEN-related disorder. Also called: SPEN-related condition.

Allele frequency attached by ClinVar (database versions not stated): gnomAD 0.00022; gnomAD exomes 0.00028; TOPMed 0.00030; 1000 Genomes Project 30x 0.00031; ESP Exome Variant Server 0.00038; 1000 Genomes Project 0.00040; ExAC 0.00054.
gnomAD v4.1: 452 of 1,614,024 alleles (0.028%); highest among the groups gnomAD compares: Middle Eastern, 0.23%; 4 homozygotes.

Submissions (2):

CeGaT Center for Human Genetics Tuebingen
Classification: Likely benign. Last evaluated: 2025-11-01. Review status: criteria provided, single submitter. Criteria: CeGaT Center For Human Genetics Tuebingen Variant Classification Criteria Version 2. Collection method: clinical testing. Allele origin: germline. Affected: yes. Observed: 1 variant allele.
Comment: SPEN: BP4, BS2

PreventionGenetics, part of Exact Sciences
Classification: Likely benign for SPEN-related condition. Last evaluated: 2022-09-28. Review status: no assertion criteria provided. Collection method: clinical testing. Allele origin: germline. Not counted in ClinVar's aggregate classification.
Comment: This variant is classified as likely benign based on ACMG/AMP sequence variant interpretation guidelines (Richards et al. 2015 PMID: 25741868, with internal and published modifications).

NM_015001.3(SPEN):c.3427C>T (p.Arg1143Cys)

Gene: SPEN (spen family transcriptional repressor; plus strand). Cytogenetic location: 1p36.13.
Variant type: single nucleotide variant.
Coding change: c.3427C>T on transcript NM_015001.3 (MANE Select); coding-DNA position 3427, C replaced by T.
Protein change: p.Arg1143Cys; replaces arginine 1143 with cysteine.
Molecular consequence: missense variant.
Genome position (GRCh38, 1-based): chr1:15,929,667, C>T. VCF-style: chr1-15929667-C-T. GRCh37 (hg19) VCF-style: chr1-16256162-C-T.
Other names: short protein forms R1143C.
Identifiers: ClinVar variation 3042596 (VCV003042596.8), dbSNP rs145802445, ClinGen allele CA619433.